The following is an entry in ClinVar:

ClinVar aggregate classification (germline): Uncertain significance (1 of 4 stars; one submission).

gnomAD v4.1: 33 of 1,612,354 alleles (0.002%); highest among the groups gnomAD compares: African/African-American, 0.02%; no homozygotes.

Submission:

GeneDx
Classification: Uncertain significance. Last evaluated: 2023-06-01. Review status: criteria provided, single submitter. Criteria: GeneDx Variant Classification Process June 2021. Collection method: clinical testing. Allele origin: germline. Affected: yes.
Comment: In silico analysis supports that this missense variant has a deleterious effect on protein structure/function; Has not been previously published as pathogenic or benign to our knowledge

NM_001004320.2(AGMO):c.1240C>T (p.Pro414Ser)

Gene: AGMO (alkylglycerol monooxygenase; minus strand). Cytogenetic location: 7p21.2.
Variant type: single nucleotide variant.
Coding change: c.1240C>T on transcript NM_001004320.2 (MANE Select); coding-DNA position 1240, C replaced by T.
Protein change: p.Pro414Ser; replaces proline 414 with serine.
Molecular consequence: missense variant.
Genome position (GRCh38, 1-based): chr7:15,365,537, G>A on the plus strand (C>T on the coding strand, the complement: AGMO is on the minus strand). VCF-style: chr7-15365537-G-A. GRCh37 (hg19) VCF-style: chr7-15405162-G-A.
Other names: short protein forms P414S.
Identifiers: ClinVar variation 3362064 (VCV003362064.1).